The following is an entry in ClinVar:

NM_000492.4(CFTR):c.3569_3570del (p.Val1190fs)

Genes: CFTR (CF transmembrane conductance regulator; plus strand), CFTR-AS2 (CFTR antisense RNA 2; minus strand). Cytogenetic location: 7q31.2.
Variant type: Deletion.
Coding change: c.3569_3570del on transcript NM_000492.4 (MANE Select); coding-DNA positions 3569 to 3570, 2 bases deleted (TT; older notation c.3569_3570delTT).
Protein change: p.Val1190fs; shifts the reading frame from valine 1190.
Molecular consequence: frameshift variant.
Genome position (GRCh38, 1-based): chr7:117,627,622-117,627,623, TT deleted. VCF-style (leftmost placement, unchanged base first): chr7-117627621-GTT-G. GRCh37 (hg19) VCF-style: chr7-117267675-GTT-G.
Other names: short protein forms V1190fs.
Identifiers: ClinVar variation 618937 (VCV000618937.4), dbSNP rs1562919371, ClinGen allele CA913189837.

ClinVar aggregate classification (germline): Pathogenic/Likely pathogenic. Review status: criteria provided, multiple submitters, no conflicts (2 of 4 stars). 2 submissions from 2 submitters: Pathogenic (1); Likely pathogenic (1). Last evaluated 2021-11-25.

Conditions:
Cystic fibrosis (CF). Also called: MUCOVISCIDOSIS. Identifiers: Orphanet 586, MedGen C0010674, MONDO:0009061, OMIM 219700. Disease mechanism: loss of function.

Submissions (2):

Myriad Genetics, Inc.
Classification: Likely pathogenic for Cystic fibrosis. Last evaluated: 2021-11-25. Review status: criteria provided, single submitter. Criteria: Myriad Women's Health Autosomal Recessive and X-Linked Classification Criteria (2021). Collection method: clinical testing. Allele origin: unknown.
Comment: NM_000492.3(CFTR):c.3569_3570delTT(V1190Dfs*4) is expected to be pathogenic in the context of cystic fibrosis. This variant is predicted to lead to an abnormal or absent protein product due to the creation of a premature termination codon in CFTR, a gene where loss-of-function variants are known to be pathogenic. Please note: this variant was assessed in the context of healthy population screening.

Mendelics
Classification: Pathogenic for Cystic fibrosis. Last evaluated: 2018-11-05. Review status: criteria provided, single submitter. Criteria: Mendelics Assertion Criteria 2017. Collection method: clinical testing. Allele origin: unknown. Affected: yes.